The following is an entry in ClinVar:

ClinVar aggregate classification (germline): Uncertain significance (1 of 4 stars; one submission).

Conditions:
Primary ciliary dyskinesia. Also called: Ciliary dyskinesia. Identifiers: Orphanet 244, MedGen C0008780, MONDO:0016575, HP:0012265.

Submission:

Labcorp Genetics (formerly Invitae), Labcorp
Classification: Uncertain significance for Primary ciliary dyskinesia. Last evaluated: 2022-08-09. Review status: criteria provided, single submitter. Criteria: Invitae Variant Classification Sherloc (09022015). Collection method: clinical testing. Allele origin: germline.
Comment: This sequence change replaces glutamic acid, which is acidic and polar, with valine, which is neutral and non-polar, at codon 1000 of the DNAH8 protein (p.Glu1000Val). This variant is not present in population databases (gnomAD no frequency). This variant has not been reported in the literature in individuals affected with DNAH8-related conditions. ClinVar contains an entry for this variant (Variation ID: 944701). Algorithms developed to predict the effect of missense changes on protein structure and function are either unavailable or do not agree on the potential impact of this missense change (SIFT: "Deleterious"; PolyPhen-2: "Not Available"; Align-GVGD: "Class C0"). Algorithms developed to predict the effect of sequence changes on RNA splicing suggest that this variant may disrupt the consensus splice site. In summary, the available evidence is currently insufficient to determine the role of this variant in disease. Therefore, it has been classified as a Variant of Uncertain Significance.

NM_001206927.2(DNAH8):c.2999A>T (p.Glu1000Val)

Gene: DNAH8 (dynein axonemal heavy chain 8; plus strand). Cytogenetic location: 6p21.2.
Variant type: single nucleotide variant.
Coding change: c.2999A>T on transcript NM_001206927.2 (MANE Select); coding-DNA position 2999, A replaced by T.
Protein change: p.Glu1000Val; replaces glutamic acid 1000 with valine.
Molecular consequence: missense variant.
Genome position (GRCh38, 1-based): chr6:38,803,276, A>T. VCF-style: chr6-38803276-A-T. GRCh37 (hg19) VCF-style: chr6-38771052-A-T.
Other names: c.2348A>T, p.Glu783Val (NM_001371.4); short protein forms E783V, E1000V.
Identifiers: ClinVar variation 944701 (VCV000944701.7), dbSNP rs1770947275, ClinGen allele CA363994402.